The following is an entry in ClinVar:

ClinVar aggregate classification (germline): Conflicting classifications of pathogenicity. Review status: criteria provided, conflicting classifications (1 of 4 stars). 10 submissions from 10 submitters: Pathogenic (1); Likely pathogenic (7); Uncertain significance (1). 1 of the submissions does not count toward it. Last evaluated 2026-01-13.

Conditions:
Medium-chain acyl-coenzyme A dehydrogenase deficiency (ACADMD). Also called: Medium chain acyl-CoA dehydrogenase deficiency; MCADD; CARNITINE DEFICIENCY SECONDARY TO MEDIUM-CHAIN ACYL-CoA DEHYDROGENASE DEFICIENCY; ACADM DEFICIENCY; MCADH DEFICIENCY; MCAD Deficiency. Identifiers: Orphanet 42, MedGen C0220710, MONDO:0008721, OMIM 201450.

Submissions (10):

Labcorp Genetics (formerly Invitae), Labcorp
Classification: Pathogenic for Medium-chain acyl-coenzyme A dehydrogenase deficiency. Last evaluated: 2026-01-13. Review status: criteria provided, single submitter. Criteria: Invitae Variant Classification Sherloc (09022015). Collection method: clinical testing. Allele origin: germline.
Comment: This variant, c.430_432del, results in the deletion of 1 amino acid(s) of the ACADM protein (p.Lys144del), but otherwise preserves the integrity of the reading frame. This variant is present in population databases (rs756277519, gnomAD 0.0009%). This variant has been observed in individual(s) with MCAD deficiency (PMID: 20434380, 21083904, 23028790, 31012112). Algorithms developed to predict the effect of sequence changes on RNA splicing suggest that this variant may disrupt the consensus splice site. For these reasons, this variant has been classified as Pathogenic.

Natera, Inc.
Classification: Likely pathogenic for Medium Chain Acyl-CoA Dehydrogenase Deficiency. Last evaluated: 2025-07-03. Review status: criteria provided, single submitter. Criteria: Natera Variant Classification Schema (03/2026). Collection method: clinical testing. Allele origin: germline.
Comment: The c.430_432delAAG variant in ACADM is an in-frame deletion predicted to remove lysine at amino acid 144 while preserving the reading frame. This variant is rare in the general population with a frequency below the threshold expected for the associated phenotype(s). This variant has been observed in one or more individuals affected with the associated recessive disease, as either homozygous or compound heterozygous with a second variant (PMID: 20434380, 21083904, 31012112). This variant has been identified in one or more affected individual with a phenotype highly consistent with the associated gene (PMID: 31012112). Computational prediction algorithms indicate this variant is likely to affect gene or protein function. Given the available evidence, this variant is classified as Likely Pathogenic.

Fulgent Genetics
Classification: Likely pathogenic for Medium-chain acyl-coenzyme A dehydrogenase deficiency. Last evaluated: 2024-05-03. Review status: criteria provided, single submitter. Criteria: ACMG Guidelines, 2015. Collection method: clinical testing. Allele origin: germline.

GeneDx
Classification: Likely pathogenic. Last evaluated: 2024-04-02. Review status: criteria provided, single submitter. Criteria: GeneDx Variant Classification Process June 2021. Collection method: clinical testing. Allele origin: germline. Affected: yes.
Comment: In-frame deletion of 1 amino acid in a non-repeat region; Not observed at a significant frequency in large population cohorts (gnomAD); In silico analysis supports a deleterious effect on protein structure/function; This variant is associated with the following publications: (PMID: 23028790, 21083904, 20434380, 27308838, 31012112, 25940036)

Baylor Genetics
Classification: Likely pathogenic for Medium-chain acyl-coenzyme A dehydrogenase deficiency. Last evaluated: 2024-03-11. Review status: criteria provided, single submitter. Criteria: ACMG Guidelines, 2015. Collection method: clinical testing. Allele origin: unknown.

Laboratory of Medical Genetics, National & Kapodistrian University of Athens
Classification: Likely pathogenic for Medium-chain acyl-coenzyme A dehydrogenase deficiency. Last evaluated: 2023-05-16. Review status: criteria provided, single submitter. Criteria: ACMG Guidelines, 2015. Collection method: clinical testing. Allele origin: germline. Affected: yes.
Comment: PM1, PM2, PM4, PP3, PP5

Eurofins Ntd Llc (ga)
Classification: Uncertain significance. Last evaluated: 2015-10-02. Review status: criteria provided, single submitter. Criteria: EGL Classification Definitions 2015. Collection method: clinical testing. Allele origin: germline. Observed: 2 variant alleles, 2 heterozygotes.

ARUP Laboratories, Molecular Genetics and Genomics, ARUP Laboratories
Classification: Likely pathogenic for Medium-chain acyl-coenzyme A dehydrogenase deficiency. Last evaluated: 2015-02-20. Review status: criteria provided, single submitter. Criteria: ACMG Guidelines, 2015. Collection method: clinical testing. Allele origin: germline. Inheritance: Autosomal recessive inheritance. Observed: 1 heterozygote.

Juno Genomics, Hangzhou Juno Genomics, Inc
Classification: Likely pathogenic for Medium-chain acyl-coenzyme A dehydrogenase deficiency. Review status: criteria provided, single submitter. Criteria: ACMG Guidelines, 2015. Collection method: clinical testing. Allele origin: germline.
Comment: Absent from controls (or at extremely low frequency if recessive) in Genome Aggregation Database.;Protein length changes due to in-frame deletions/insertions in a non-repeat region or stop-loss variants.;For recessive disorders, detected in trans with a pathogenic variant.;Patient's phenotype or family history is highly specific for a disease with a single genetic etiology.

Counsyl
Classification: Likely pathogenic for Medium-chain acyl-coenzyme A dehydrogenase deficiency. Last evaluated: 2017-03-07. Review status: no assertion criteria provided. Collection method: clinical testing. Allele origin: unknown. Not counted in ClinVar's aggregate classification.

Literature cited by the submitters: PubMed 20434380 (cited by 3 submitters); PubMed 21083904 (cited by 3 submitters); PubMed 23028790 (cited by Labcorp Genetics (formerly Invitae), Labcorp and Counsyl); PubMed 31012112 (cited by Labcorp Genetics (formerly Invitae), Labcorp and Natera, Inc.); PubMed 27308838 (cited by Counsyl); PubMed 25940036 (cited by Counsyl).

NM_000016.6(ACADM):c.424AAG[2] (p.Lys144del)

Gene: ACADM (acyl-CoA dehydrogenase medium chain; plus strand). Cytogenetic location: 1p31.1.
Variant type: Microsatellite.
Coding change: c.424AAG[2] on transcript NM_000016.6 (MANE Select); two copies in a row of the 3-base unit AAG starting at c.424; the reference has three copies in a row; one copy, 3 bases deleted; also written c.430_432del.
Protein change: p.Lys144del; deletes lysine 144.
Molecular consequence: inframe deletion. On other transcripts: intron variant (1).
Genome position (GRCh38, 1-based): chr1:75,734,833-75,734,835, AAG deleted; deleting any 3 consecutive bases within chr1:75,734,827-75,734,835 gives the same sequence; the position shown is the placement nearest the transcript's 3' end. VCF-style (leftmost placement, unchanged base first): chr1-75734826-AAAG-A. GRCh37 (hg19) VCF-style: chr1-76200511-AAAG-A.
Other names: c.430_432delAAG (NM_000016.4, NM_000016.5); c.430_432del (NM_000016.6, NM_000016.4); c.436AAG[2], p.Lys148del (NM_001127328.3); c.316AAG[2], p.Lys108del (NM_001286042.2); c.523AAG[2], p.Lys177del (NM_001286043.2); c.-100+1905AAG[2] (NM_001286044.2); short protein forms K144del, K148del, K177del, K108del.
Identifiers: ClinVar variation 226062 (VCV000226062.31), dbSNP rs875989857, ClinGen allele CA913102.